The following is an entry in ClinVar:

ClinVar aggregate classification (germline): Uncertain significance (1 of 4 stars; one submission).

Conditions:
Cardiovascular phenotype. Identifiers: MedGen CN230736.

Submission:

Ambry Genetics
Classification: Uncertain significance for Cardiovascular phenotype. Last evaluated: 2023-08-08. Review status: criteria provided, single submitter. Criteria: Ambry Variant Classification Scheme 2023. Collection method: clinical testing. Allele origin: germline.
Comment: The p.R4015P variant (also known as c.12044G>C), located in coding exon 19 of the ALMS1 gene, results from a G to C substitution at nucleotide position 12044. The arginine at codon 4015 is replaced by proline, an amino acid with dissimilar properties. This amino acid position is poorly conserved in available vertebrate species. In addition, this alteration is predicted to be tolerated by in silico analysis. Since supporting evidence is limited at this time, the clinical significance of this alteration remains unclear.

NM_001378454.1(ALMS1):c.12041G>C (p.Arg4014Pro)

Genes: ALMS1 (ALMS1 centrosome and basal body associated protein; plus strand), LOC126806252 (BRD4-independent group 4 enhancer GRCh37_chr2:73828496-73829695; plus strand). Cytogenetic location: 2p13.1.
Variant type: single nucleotide variant.
Coding change: c.12041G>C on transcript NM_001378454.1 (MANE Select); coding-DNA position 12041, G replaced by C.
Protein change: p.Arg4014Pro; replaces arginine 4014 with proline.
Molecular consequence: missense variant.
Genome position (GRCh38, 1-based): chr2:73,601,363, G>C. VCF-style: chr2-73601363-G-C. GRCh37 (hg19) VCF-style: chr2-73828490-G-C.
Other names: c.12044G>C, p.Arg4015Pro (NM_015120.4); short protein forms R4015P, R4014P.
Identifiers: ClinVar variation 2626194 (VCV002626194.2), dbSNP rs768365250, ClinGen allele CA347266674.
Genomic context (GRCh38, chr2:73,601,363, plus strand): 5'-CCAGACCCTGGAGGGAGCCACTGCGGGAGCAGAACTGTCAGGGGCAGCACCTGGACGGTC[G>C]GGGCTACCTGGCAGGCCCAGGCAGAGAGGCTGGCAGAGACCTACTGAGGCCATTTGTGAG-3'
Protein context (NP_001365383.1, residues 4004-4024): QNCQGQHLDG[Arg4014Pro]GYLAGPGREA